The following is an entry in ClinVar:

NM_023036.6(DNAI2):c.502C>T (p.Leu168Phe)

Gene: DNAI2 (dynein axonemal intermediate chain 2; plus strand). Cytogenetic location: 17q25.1.
Variant type: single nucleotide variant.
Coding change: c.502C>T on transcript NM_023036.6 (MANE Select); coding-DNA position 502, C replaced by T.
Protein change: p.Leu168Phe; replaces leucine 168 with phenylalanine.
Molecular consequence: missense variant. On other transcripts: non-coding transcript variant (1).
Genome position (GRCh38, 1-based): chr17:74,289,628, C>T. VCF-style: chr17-74289628-C-T. GRCh37 (hg19) VCF-style: chr17-72285767-C-T.
Other names: c.502C>T (NM_023036.4); c.502C>T, p.Leu168Phe (NM_001172810.3, NM_001353167.2); short protein forms L168F.
Identifiers: ClinVar variation 2026824 (VCV002026824.2), dbSNP rs184354915, ClinGen allele CA8745385.

ClinVar aggregate classification (germline): Uncertain significance. Review status: criteria provided, multiple submitters, no conflicts (2 of 4 stars). 2 submissions from 2 submitters: Uncertain significance (2). Last evaluated 2025-06-07.

Conditions:
Primary ciliary dyskinesia. Also called: Ciliary dyskinesia. Identifiers: Orphanet 244, MedGen C0008780, MONDO:0016575, HP:0012265.

Allele frequency attached by ClinVar (database versions not stated): gnomAD 0.00001; TOPMed 0.00001; 1000 Genomes Project 30x 0.00016; 1000 Genomes Project 0.00020.
gnomAD v4.1: 9 of 1,614,140 alleles (0.00056%); highest among the groups gnomAD compares: Admixed American, 0.005%; no homozygotes.

Submissions (2):

Ambry Genetics
Classification: Uncertain significance for Primary ciliary dyskinesia. Last evaluated: 2025-06-07. Review status: criteria provided, single submitter. Criteria: Ambry Variant Classification Scheme 2023. Collection method: clinical testing. Allele origin: germline.
Comment: The p.L168F variant (also known as c.502C>T), located in coding exon 4 of the DNAI2 gene, results from a C to T substitution at nucleotide position 502. The leucine at codon 168 is replaced by phenylalanine, an amino acid with highly similar properties. This amino acid position is conserved. In addition, the in silico prediction for this alteration is inconclusive. Based on the available evidence, the clinical significance of this variant remains unclear.

Labcorp Genetics (formerly Invitae), Labcorp
Classification: Uncertain significance for Primary ciliary dyskinesia. Last evaluated: 2022-05-24. Review status: criteria provided, single submitter. Criteria: Invitae Variant Classification Sherloc (09022015). Collection method: clinical testing. Allele origin: germline.
Comment: This sequence change replaces leucine, which is neutral and non-polar, with phenylalanine, which is neutral and non-polar, at codon 168 of the DNAI2 protein (p.Leu168Phe). This variant is present in population databases (rs184354915, gnomAD 0.003%). This variant has not been reported in the literature in individuals affected with DNAI2-related conditions. Algorithms developed to predict the effect of missense changes on protein structure and function are either unavailable or do not agree on the potential impact of this missense change (SIFT: "Deleterious"; PolyPhen-2: "Possibly Damaging"; Align-GVGD: "Class C0"). In summary, the available evidence is currently insufficient to determine the role of this variant in disease. Therefore, it has been classified as a Variant of Uncertain Significance.